The following is an entry in ClinVar:

NM_001377265.1(MAPT):c.1120del (p.Leu374fs)

Gene: MAPT (microtubule associated protein tau). Cytogenetic location: 17q21.31.
Variant type: Deletion.
Coding change: c.1120del on transcript NM_001377265.1 (MANE Select); coding-DNA position 1120, one base deleted.
Protein change: p.Leu374fs; shifts the reading frame from leucine 374.
Molecular consequence: frameshift variant. On other transcripts: intron variant (8).
Genome position: GRCh38 VCF-style: chr17-45983693-GC-G. GRCh37 (hg19) VCF-style: chr17-44061059-GC-G.
Other names: c.895del, p.Leu299fs (NM_001123066.4, NM_016835.5); c.1120del, p.Leu374fs (NM_001377266.1); c.200-3341del (NM_001377268.1, NM_016834.5, NM_016841.5); c.374-3341del (NM_005910.6, NM_001203252.2); c.287-3341del (NM_001123067.4, NM_001203251.2, NM_001377267.1); short protein forms L299fs, L374fs.
Identifiers: ClinVar variation 3360699 (VCV003360699.1).

ClinVar aggregate classification (germline): Uncertain significance (1 of 4 stars; one submission).

Submission:

GeneDx
Classification: Uncertain significance. Last evaluated: 2023-07-05. Review status: criteria provided, single submitter. Criteria: GeneDx Variant Classification Process June 2021. Collection method: clinical testing. Allele origin: germline. Affected: yes.
Comment: Not observed at significant frequency in large population cohorts (gnomAD); Frameshift variant predicted to result in protein truncation or nonsense mediated decay in a gene or region of a gene for which loss of function is not a well-established mechanism of disease; Has not been previously published as pathogenic or benign to our knowledge; Reported using an alternate transcript of the gene